The following is an entry in ClinVar:

NM_000507.4(FBP1):c.259A>T (p.Lys87Ter)

Gene: FBP1 (fructose-bisphosphatase 1; minus strand). Cytogenetic location: 9q22.32.
Variant type: single nucleotide variant.
Coding change: c.259A>T on transcript NM_000507.4 (MANE Select); coding-DNA position 259, A replaced by T.
Protein change: p.Lys87Ter; replaces lysine 87 with a stop codon.
Molecular consequence: nonsense.
Genome position (GRCh38, 1-based): chr9:94,620,403, T>A on the plus strand (A>T on the coding strand, the complement: FBP1 is on the minus strand). VCF-style: chr9-94620403-T-A. GRCh37 (hg19) VCF-style: chr9-97382685-T-A.
Other names: c.259A>T, p.Lys87Ter (NM_001127628.2); short protein forms K87*.
Identifiers: ClinVar variation 3383386 (VCV003383386.2).

ClinVar aggregate classification (germline): Likely pathogenic (1 of 4 stars; one submission).

Conditions:
Fructose-biphosphatase deficiency (FBP1D). Also called: Fructose-1,6-Diphosphatase Deficiency; Fructose 1,6 Bisphosphatase Deficiency; Fructose-1,6-Bisphosphatase 1 Deficiency. Identifiers: Orphanet 348, MedGen C0016756, MONDO:0009251, OMIM 229700.

Submission:

Intergen Genetics and Rare Diseases Diagnosis Center
Classification: Likely pathogenic for Fructose-biphosphatase deficiency. Last evaluated: 2024-11-23. Review status: criteria provided, single submitter. Criteria: ACMG Guidelines, 2015. Collection method: clinical testing. Allele origin: biparental. Inheritance: Autosomal recessive inheritance. Affected: yes. Observed: 1 homozygote.
Comment: Clinical features are compatible with the disease.